The following is an entry in ClinVar:

ClinVar aggregate classification (germline): Benign/Likely benign. Review status: criteria provided, multiple submitters, no conflicts (2 of 4 stars). 3 submissions from 3 submitters: Benign (1); Likely benign (2). Last evaluated 2024-10-29.

Conditions:
Hereditary cancer-predisposing syndrome. Also called: Hereditary neoplastic syndrome; Neoplastic Syndromes, Hereditary; Tumor predisposition; Hereditary Cancer Syndrome. Identifiers: Orphanet 140162, MedGen C0027672, MeSH D009386, MONDO:0015356.
Prostate cancer, hereditary, 9 (HPC9). Identifiers: Orphanet 1331, MedGen C1970250, MONDO:0012597, OMIM 610997.

Submissions (3):

Myriad Genetics, Inc.
Classification: Benign for Prostate cancer, hereditary, 9. Last evaluated: 2024-10-29. Review status: criteria provided, single submitter. Criteria: Myriad Autosomal Dominant, Autosomal Recessive and X-Linked Classification Criteria (2023). Collection method: clinical testing. Allele origin: unknown.
Comment: This variant is considered benign. This variant is a silent/synonymous amino acid change and it is not expected to impact splicing.

Labcorp Genetics (formerly Invitae), Labcorp
Classification: Likely benign. Last evaluated: 2022-06-13. Review status: criteria provided, single submitter. Criteria: Invitae Variant Classification Sherloc (09022015). Collection method: clinical testing. Allele origin: germline.

Ambry Genetics
Classification: Likely benign for Hereditary cancer-predisposing syndrome. Last evaluated: 2022-02-26. Review status: criteria provided, single submitter. Criteria: Ambry Variant Classification Scheme 2023. Collection method: clinical testing. Allele origin: germline.

NM_006361.6(HOXB13):c.315C>T (p.Thr105=)

Gene: HOXB13 (homeobox B13; minus strand). Cytogenetic location: 17q21.32.
Variant type: single nucleotide variant.
Coding change: c.315C>T on transcript NM_006361.6 (MANE Select); coding-DNA position 315, C replaced by T.
Protein change: p.Thr105=; no amino-acid change (threonine 105 retained).
Molecular consequence: synonymous variant.
Genome position (GRCh38, 1-based): chr17:48,728,279, G>A on the plus strand (C>T on the coding strand, the complement: HOXB13 is on the minus strand). VCF-style: chr17-48728279-G-A. GRCh37 (hg19) VCF-style: chr17-46805641-G-A.
Identifiers: ClinVar variation 1669318 (VCV001669318.11), dbSNP rs2038235885, ClinGen allele CA500661926.